The following is an entry in ClinVar:

ClinVar aggregate classification (germline): Uncertain significance. Review status: criteria provided, multiple submitters, no conflicts (2 of 4 stars). 2 submissions from 2 submitters: Uncertain significance (2). Last evaluated 2026-08-10.

Conditions:
Hereditary cancer-predisposing syndrome. Also called: Hereditary Cancer Syndrome; Hereditary neoplastic syndrome; Neoplastic Syndromes, Hereditary; Tumor predisposition. Identifiers: Orphanet 140162, MedGen C0027672, MeSH D009386, MONDO:0015356.
Tumor predisposition syndrome 3 (TPDS3). Also called: Glioma susceptibility 9; LONG TELOMERE SYNDROME, POT1-RELATED; POT1 Tumor Predisposition; Melanoma, cutaneous malignant, susceptibility to, 10. Identifiers: Orphanet 618, MedGen C4014476, MONDO:0014368, OMIM 615848.

Submissions (2):

Ambry Genetics
Classification: Uncertain significance for Hereditary cancer-predisposing syndrome. Last evaluated: 2026-08-10. Review status: criteria provided, single submitter. Criteria: Ambry Variant Classification Scheme 2023. Collection method: clinical testing. Allele origin: germline.
Comment: The p.N65S variant (also known as c.194A>G), located in coding exon 3 of the POT1 gene, results from an A to G substitution at nucleotide position 194. The asparagine at codon 65 is replaced by serine, an amino acid with highly similar properties. This amino acid position is conserved. In addition, this alteration is predicted to be tolerated by in silico analysis. Based on the available evidence, the clinical significance of this variant remains unclear.

Labcorp Genetics (formerly Invitae), Labcorp
Classification: Uncertain significance for Tumor predisposition syndrome 3. Last evaluated: 2025-11-27. Review status: criteria provided, single submitter. Criteria: Invitae Variant Classification Sherloc (09022015). Collection method: clinical testing. Allele origin: germline.
Comment: This sequence change replaces asparagine, which is neutral and polar, with serine, which is neutral and polar, at codon 65 of the POT1 protein (p.Asn65Ser). This variant is not present in population databases (gnomAD no frequency). This variant has not been reported in the literature in individuals affected with POT1-related conditions. Invitae Evidence Modeling of protein sequence and biophysical properties (such as structural, functional, and spatial information, amino acid conservation, physicochemical variation, residue mobility, and thermodynamic stability) indicates that this missense variant is not expected to disrupt POT1 protein function with a negative predictive value of 80%. In summary, the available evidence is currently insufficient to determine the role of this variant in disease. Therefore, it has been classified as a Variant of Uncertain Significance.

NM_015450.3(POT1):c.194A>G (p.Asn65Ser)

Gene: POT1 (protection of telomeres 1; minus strand). Cytogenetic location: 7q31.33.
Variant type: single nucleotide variant.
Coding change: c.194A>G on transcript NM_015450.3 (MANE Select); coding-DNA position 194, A replaced by G.
Protein change: p.Asn65Ser; replaces asparagine 65 with serine.
Molecular consequence: missense variant. On other transcripts: non-coding transcript variant (3), intron variant (1).
Genome position (GRCh38, 1-based): chr7:124,870,972, T>C on the plus strand (A>G on the coding strand, the complement: POT1 is on the minus strand). VCF-style: chr7-124870972-T-C. GRCh37 (hg19) VCF-style: chr7-124511026-T-C.
Other names: c.-138-7332A>G (NM_001042594.2); c.194A>G (NM_015450.2); short protein forms N65S.
Identifiers: ClinVar variation 4740379 (VCV004740379.2).